The following is an entry in ClinVar:

ClinVar aggregate classification (germline): Uncertain significance. Review status: criteria provided, multiple submitters, no conflicts (2 of 4 stars). 2 submissions from 2 submitters: Uncertain significance (2). Last evaluated 2025-08-11.

Conditions:
Pulmonary fibrosis and/or bone marrow failure, Telomere-related, 3. Also called: PULMONARY FIBROSIS AND/OR BONE MARROW FAILURE SYNDROME, TELOMERE-RELATED, 3. Identifiers: Orphanet 2032, MedGen C4225346, MONDO:0014613, OMIM 616373.
Dyskeratosis congenita, autosomal recessive 5 (DKCB5). Identifiers: MedGen C3554656, MONDO:0014076, OMIM 615190.
Inborn genetic diseases. Identifiers: MedGen C0950123, MeSH D030342.

Allele frequency attached by ClinVar (database versions not stated): gnomAD exomes below 0.00001; gnomAD 0.00001.
gnomAD v4.1: 4 of 1,564,618 alleles (0.00026%); highest among the groups gnomAD compares: African/African-American, 0.0027%; no homozygotes.

Submissions (2):

Ambry Genetics
Classification: Uncertain significance for Inborn genetic diseases. Last evaluated: 2025-08-11. Review status: criteria provided, single submitter. Criteria: Ambry Variant Classification Scheme 2023. Collection method: clinical testing. Allele origin: germline.
Comment: The p.E1198D variant (also known as c.3594G>C), located in coding exon 33 of the RTEL1 gene, results from a G to C substitution at nucleotide position 3594. The glutamic acid at codon 1198 is replaced by aspartic acid, an amino acid with highly similar properties. This amino acid position is conserved. In addition, this alteration is predicted to be tolerated by in silico analysis. Based on the available evidence, the clinical significance of this variant remains unclear.

Labcorp Genetics (formerly Invitae), Labcorp
Classification: Uncertain significance for Dyskeratosis congenita, autosomal recessive 5; Pulmonary fibrosis and/or bone marrow failure, Telomere-related, 3. Last evaluated: 2023-03-20. Review status: criteria provided, single submitter. Criteria: Invitae Variant Classification Sherloc (09022015). Collection method: clinical testing. Allele origin: germline.
Comment: This sequence change replaces glutamic acid, which is acidic and polar, with aspartic acid, which is acidic and polar, at codon 1198 of the RTEL1 protein (p.Glu1198Asp). This variant is present in population databases (no rsID available, gnomAD 0.007%). This variant has not been reported in the literature in individuals affected with RTEL1-related conditions. ClinVar contains an entry for this variant (Variation ID: 1449607). An algorithm developed to predict the effect of missense changes on protein structure and function (PolyPhen-2) suggests that this variant is likely to be tolerated. In summary, the available evidence is currently insufficient to determine the role of this variant in disease. Therefore, it has been classified as a Variant of Uncertain Significance.

NM_001283009.2(RTEL1):c.3594G>C (p.Glu1198Asp)

Genes: RTEL1-TNFRSF6B (RTEL1-TNFRSF6B readthrough (NMD candidate); plus strand), RTEL1 (regulator of telomere elongation helicase 1; plus strand). Cytogenetic location: 20q13.33.
Variant type: single nucleotide variant.
Coding change: c.3594G>C on transcript NM_001283009.2 (MANE Select); coding-DNA position 3594, G replaced by C.
Protein change: p.Glu1198Asp; replaces glutamic acid 1198 with aspartic acid.
Molecular consequence: missense variant. On other transcripts: non-coding transcript variant (1).
Genome position (GRCh38, 1-based): chr20:63,695,422, G>C. VCF-style: chr20-63695422-G-C. GRCh37 (hg19) VCF-style: chr20-62326775-G-C.
Other names: c.2925G>C, p.Glu975Asp (NM_001283010.1); c.3594G>C, p.Glu1198Asp (NM_016434.4); c.3666G>C, p.Glu1222Asp (NM_032957.5); short protein forms E1198D, E975D, E1222D.
Identifiers: ClinVar variation 1449607 (VCV001449607.9), dbSNP rs1440306935, ClinGen allele CA409686318.
Genomic context (GRCh38, chr20:63,695,422, plus strand): 5'-GAGCAAGATCTCGTCCTTCCTTAGACAGAGGCCAGCAGGGACTGTGGGGGCGGGCGGTGA[G>C]GATGCAGGTCCCAGCCAGTCCTCAGGACCTCCCCACGGGCCTGCAGCATCTGAGTGGGGT-3'
Protein context (NP_001269938.1, residues 1188-1208): RPAGTVGAGG[Glu1198Asp]DAGPSQSSGP